The following is an entry in ClinVar:

NM_007348.4(ATF6):c.1457G>A (p.Trp486Ter)

Gene: ATF6 (activating transcription factor 6; plus strand). Cytogenetic location: 1q23.3.
Variant type: single nucleotide variant.
Coding change: c.1457G>A on transcript NM_007348.4 (MANE Select); coding-DNA position 1457, G replaced by A.
Protein change: p.Trp486Ter; replaces tryptophan 486 with a stop codon.
Molecular consequence: nonsense.
Genome position (GRCh38, 1-based): chr1:161,853,247, G>A. VCF-style: chr1-161853247-G-A. GRCh37 (hg19) VCF-style: chr1-161823037-G-A.
Other names: c.1457G>A, p.Trp486Ter (NM_001410890.1); short protein forms W486*.
Identifiers: ClinVar variation 2718613 (VCV002718613.3), dbSNP rs2525344279, ClinGen allele CA343380920.

ClinVar aggregate classification (germline): Pathogenic (1 of 4 stars; one submission).

Allele frequency attached by ClinVar (database versions not stated): gnomAD exomes below 0.00001.
gnomAD v4.1: 2 of 1,610,688 alleles (0.00012%); highest among the groups gnomAD compares: Non-Finnish European, 0.00017%; no homozygotes.

Submission:

Labcorp Genetics (formerly Invitae), Labcorp
Classification: Pathogenic. Last evaluated: 2023-06-17. Review status: criteria provided, single submitter. Criteria: Invitae Variant Classification Sherloc (09022015). Collection method: clinical testing. Allele origin: germline.
Comment: For these reasons, this variant has been classified as Pathogenic. This variant has not been reported in the literature in individuals affected with ATF6-related conditions. This variant is not present in population databases (gnomAD no frequency). This sequence change creates a premature translational stop signal (p.Trp486*) in the ATF6 gene. It is expected to result in an absent or disrupted protein product. Loss-of-function variants in ATF6 are known to be pathogenic (PMID: 26029869, 26063662, 26070061).

Literature cited by the submitters: PubMed 26029869; PubMed 26063662; PubMed 26070061.